The following is an entry in ClinVar:

ClinVar aggregate classification (germline): Uncertain significance. Review status: criteria provided, multiple submitters, no conflicts (2 of 4 stars). 2 submissions from 2 submitters: Uncertain significance (2). Last evaluated 2024-11-07.

Conditions:
Hereditary cancer-predisposing syndrome. Also called: Hereditary neoplastic syndrome; Neoplastic Syndromes, Hereditary; Tumor predisposition; Hereditary Cancer Syndrome. Identifiers: Orphanet 140162, MedGen C0027672, MeSH D009386, MONDO:0015356.
Tuberous sclerosis 1 (TSC1). Identifiers: Orphanet 805, MedGen C1854465, MONDO:0008612, OMIM 191100.

gnomAD v4.1: 1 of 1,614,076 alleles (0.000062%); highest among the groups gnomAD compares: Non-Finnish European, 0.000085%; no homozygotes.

Submissions (2):

Ambry Genetics
Classification: Uncertain significance for Hereditary cancer-predisposing syndrome. Last evaluated: 2024-11-07. Review status: criteria provided, single submitter. Criteria: Ambry Variant Classification Scheme 2023. Collection method: clinical testing. Allele origin: germline.
Comment: The p.L978I variant (also known as c.2932C>A), located in coding exon 20 of the TSC1 gene, results from a C to A substitution at nucleotide position 2932. The leucine at codon 978 is replaced by isoleucine, an amino acid with highly similar properties. This amino acid position is well conserved in available vertebrate species. In addition, this alteration is predicted to be tolerated by in silico analysis. Based on the available evidence, the clinical significance of this variant remains unclear.

Labcorp Genetics (formerly Invitae), Labcorp
Classification: Uncertain significance for Tuberous sclerosis 1. Last evaluated: 2024-06-19. Review status: criteria provided, single submitter. Criteria: Invitae Variant Classification Sherloc (09022015). Collection method: clinical testing. Allele origin: germline.
Comment: This sequence change replaces leucine, which is neutral and non-polar, with isoleucine, which is neutral and non-polar, at codon 978 of the TSC1 protein (p.Leu978Ile). This variant is not present in population databases (gnomAD no frequency). This variant has not been reported in the literature in individuals affected with TSC1-related conditions. ClinVar contains an entry for this variant (Variation ID: 1019494). Advanced modeling of protein sequence and biophysical properties (such as structural, functional, and spatial information, amino acid conservation, physicochemical variation, residue mobility, and thermodynamic stability) performed at Invitae indicates that this missense variant is not expected to disrupt TSC1 protein function with a negative predictive value of 95%. In summary, the available evidence is currently insufficient to determine the role of this variant in disease. Therefore, it has been classified as a Variant of Uncertain Significance.

NM_000368.5(TSC1):c.2932C>A (p.Leu978Ile)

Gene: TSC1 (TSC complex subunit 1; minus strand). Cytogenetic location: 9q34.13.
Variant type: single nucleotide variant.
Coding change: c.2932C>A on transcript NM_000368.5 (MANE Select); coding-DNA position 2932, C replaced by A.
Protein change: p.Leu978Ile; replaces leucine 978 with isoleucine.
Molecular consequence: missense variant.
Genome position (GRCh38, 1-based): chr9:132,897,227, G>T on the plus strand (C>A on the coding strand, the complement: TSC1 is on the minus strand). VCF-style: chr9-132897227-G-T. GRCh37 (hg19) VCF-style: chr9-135772614-G-T.
Other names: c.2929C>A, p.Leu977Ile (NM_001162426.2); c.2779C>A, p.Leu927Ile (NM_001162427.2); c.2569C>A, p.Leu857Ile (NM_001362177.2); short protein forms L857I, L927I, L977I, L978I.
Identifiers: ClinVar variation 1019494 (VCV001019494.12), dbSNP rs397514859, ClinGen allele CA200926380.